The following is an entry in ClinVar:

NM_015506.3(MMACHC):c.473T>C (p.Phe158Ser)

Gene: MMACHC (metabolism of cobalamin associated C; plus strand). Cytogenetic location: 1p34.1.
Variant type: single nucleotide variant.
Coding change: c.473T>C on transcript NM_015506.3 (MANE Select); coding-DNA position 473, T replaced by C.
Protein change: p.Phe158Ser; replaces phenylalanine 158 with serine.
Molecular consequence: missense variant.
Genome position (GRCh38, 1-based): chr1:45,508,839, T>C. VCF-style: chr1-45508839-T-C. GRCh37 (hg19) VCF-style: chr1-45974511-T-C.
Other names: c.302T>C, p.Phe101Ser (NM_001330540.2); short protein forms F101S, F158S.
Identifiers: ClinVar variation 1690952 (VCV001690952.2), dbSNP rs1426887022, ClinGen allele CA340133132.

ClinVar aggregate classification (germline): Uncertain significance (1 of 4 stars; one submission).

Submission:

Laboratorio de Genetica e Diagnostico Molecular, Hospital Israelita Albert Einstein
Classification: Uncertain significance. Last evaluated: 2020-10-30. Review status: criteria provided, single submitter. Criteria: ACMG Guidelines, 2015. Collection method: clinical testing. Allele origin: germline. Affected: yes.
Comment: ACMG classification criteria: PM2, PP3, BP1